The following is an entry in ClinVar:

NM_005862.3(STAG1):c.729T>A (p.His243Gln)

Gene: STAG1 (STAG1 cohesin complex component; minus strand). Cytogenetic location: 3q22.3.
Variant type: single nucleotide variant.
Coding change: c.729T>A on transcript NM_005862.3 (MANE Select); coding-DNA position 729, T replaced by A.
Protein change: p.His243Gln; replaces histidine 243 with glutamine.
Molecular consequence: missense variant.
Genome position (GRCh38, 1-based): chr3:136,502,727, A>T on the plus strand (T>A on the coding strand, the complement: STAG1 is on the minus strand). VCF-style: chr3-136502727-A-T. GRCh37 (hg19) VCF-style: chr3-136221569-A-T.
Other names: short protein forms H243Q.
Identifiers: ClinVar variation 3776321 (VCV003776321.1).
Genomic context (GRCh38, chr3:136,502,727, plus strand): 5'-GGCTCTCTTCCCAATCATTTTATTTCTCTCGGCTTCATATTGTCTCTGGGTATTATCCTG[A>T]TGAATACTGAGGTTTAAGGCAACATTCACCAGAGCAGTCATGAGCTTCATGGCTATGAAA-3'
Protein context (NP_005853.2, residues 233-253): LVNVALNLSI[His243Gln]QDNTQRQYEA

ClinVar aggregate classification (germline): Uncertain significance (1 of 4 stars; one submission).

Submission:

GeneDx
Classification: Uncertain significance. Last evaluated: 2024-10-06. Review status: criteria provided, single submitter. Criteria: GeneDx Variant Classification Process June 2021. Collection method: clinical testing. Allele origin: germline. Affected: yes.
Comment: Not observed at significant frequency in large population cohorts (gnomAD); In silico analysis indicates that this missense variant does not alter protein structure/function; Has not been previously published as pathogenic or benign to our knowledge